The following is an entry in ClinVar:

ClinVar aggregate classification (germline): Uncertain significance. Review status: criteria provided, multiple submitters, no conflicts (2 of 4 stars). 2 submissions from 2 submitters: Uncertain significance (2). Last evaluated 2026-01-06.

Conditions:
Autoinflammation with arthritis and dyskeratosis (AIADK). Identifiers: MedGen C4479278, MONDO:0060457, OMIM 617388.
Vitiligo-associated multiple autoimmune disease susceptibility 1 (VAMAS1). Also called: SYSTEMIC LUPUS ERYTHEMATOSUS, VITILIGO-RELATED. Identifiers: Orphanet 247871, MedGen C1847835, MONDO:0011684, OMIM 606579.
Respiratory papillomatosis, juvenile recurrent, congenital. Identifiers: MedGen C5394112, MONDO:0032925, OMIM 618803.
Corneal intraepithelial dyskeratosis-palmoplantar hyperkeratosis-laryngeal dyskeratosis syndrome. Also called: Palmoplantar carcinoma, multiple self-healing. Identifiers: Orphanet 352662, MedGen C3808876, MONDO:0014089, OMIM 615225.

gnomAD v4.1: 19 of 1,609,556 alleles (0.0012%); highest among the groups gnomAD compares: Middle Eastern, 0.017%; no homozygotes.

Submissions (3):

Labcorp Genetics (formerly Invitae), Labcorp
Classification: Uncertain significance. Last evaluated: 2026-01-06. Review status: criteria provided, single submitter. Criteria: Invitae Variant Classification Sherloc (09022015). Collection method: clinical testing. Allele origin: germline.
Comment: This sequence change affects codon 987 of the NLRP1 mRNA. It is a 'silent' change, meaning that it does not change the encoded amino acid sequence of the NLRP1 protein. This variant also falls at the last nucleotide of exon 8, which is part of the consensus splice site for this exon. This variant is present in population databases (rs539953884, gnomAD 0.02%). This variant has not been reported in the literature in individuals affected with NLRP1-related conditions. ClinVar contains an entry for this variant (Variation ID: 3582339). An algorithm developed to predict the effect of missense changes on protein structure and function (PolyPhen-2) suggests that this variant is likely to be tolerated. Variants that disrupt the consensus splice site are a relatively common cause of aberrant splicing (PMID: 17576681, 9536098). Algorithms developed to predict the effect of sequence changes on RNA splicing suggest that this variant may disrupt the consensus splice site. In summary, the available evidence is currently insufficient to determine the role of this variant in disease. Therefore, it has been classified as a Variant of Uncertain Significance.

Fulgent Genetics
Classification: Uncertain significance for Vitiligo-associated multiple autoimmune disease susceptibility 1; Corneal intraepithelial dyskeratosis-palmoplantar hyperkeratosis-laryngeal dyskeratosis syndrome; Autoinflammation with arthritis and dyskeratosis; Respiratory papillomatosis, juvenile recurrent, congenital. Last evaluated: 2024-06-16. Review status: criteria provided, single submitter. Criteria: ACMG Guidelines, 2015. Collection method: clinical testing. Allele origin: germline.

Dr. Peter K. Rogan Lab, Western University
No classification provided (evidence only). Condition: Gastric cancer. Review status: no classification provided. Collection method: in vitro. Allele origin: not applicable. Functional consequence: skipped exon. Not counted in ClinVar's aggregate classification.

Literature cited by the submitters: PubMed 17576681 (cited by Labcorp Genetics (formerly Invitae), Labcorp); PubMed 9536098 (cited by Labcorp Genetics (formerly Invitae), Labcorp).

NM_033004.4(NLRP1):c.2960G>A (p.Arg987Gln)

Gene: NLRP1 (NLR family pyrin domain containing 1; minus strand). Cytogenetic location: 17p13.2.
Variant type: single nucleotide variant.
Coding change: c.2960G>A on transcript NM_033004.4 (MANE Select); coding-DNA position 2960, G replaced by A.
Protein change: p.Arg987Gln; replaces arginine 987 with glutamine.
Molecular consequence: missense variant. On other transcripts: intron variant (2).
Genome position (GRCh38, 1-based): chr17:5,536,851, C>T on the plus strand (G>A on the coding strand, the complement: NLRP1 is on the minus strand). VCF-style: chr17-5536851-C-T. GRCh37 (hg19) VCF-style: chr17-5440171-C-T.
Other names: NC_000017.10:g.5440171C>T; c.2960G>A, p.Arg987Gln (NM_001033053.3, NM_014922.5); c.2870+2564G>A (NM_033007.4, NM_033006.4); short protein forms R987Q.
Identifiers: ClinVar variation 3582339 (VCV003582339.3).